The following is an entry in ClinVar:

ClinVar aggregate classification (germline): Uncertain significance (1 of 4 stars; one submission).

Allele frequency attached by ClinVar (database versions not stated): gnomAD exomes below 0.00001.

Submission:

Labcorp Genetics (formerly Invitae), Labcorp
Classification: Uncertain significance. Last evaluated: 2023-03-16. Review status: criteria provided, single submitter. Criteria: Invitae Variant Classification Sherloc (09022015). Collection method: clinical testing. Allele origin: germline.
Comment: In summary, the available evidence is currently insufficient to determine the role of this variant in disease. Therefore, it has been classified as a Variant of Uncertain Significance. An algorithm developed to predict the effect of missense changes on protein structure and function (PolyPhen-2) suggests that this variant is likely to be disruptive. This variant has not been reported in the literature in individuals affected with TAOK2-related conditions. This variant is not present in population databases (gnomAD no frequency). This sequence change replaces serine, which is neutral and polar, with proline, which is neutral and non-polar, at codon 961 of the TAOK2 protein (p.Ser961Pro).

NM_016151.4(TAOK2):c.2881T>C (p.Ser961Pro)

Gene: TAOK2 (TAO kinase 2; plus strand). Cytogenetic location: 16p11.2.
Variant type: single nucleotide variant.
Coding change: c.2881T>C on transcript NM_016151.4 (MANE Select); coding-DNA position 2881, T replaced by C.
Protein change: p.Ser961Pro; replaces serine 961 with proline.
Molecular consequence: missense variant. On other transcripts: intron variant (1).
Genome position (GRCh38, 1-based): chr16:29,987,153, T>C. VCF-style: chr16-29987153-T-C. GRCh37 (hg19) VCF-style: chr16-29998474-T-C.
Other names: c.2542T>C, p.Ser848Pro (NM_001252043.2); c.2232+649T>C (NM_004783.4); short protein forms S961P, S848P.
Identifiers: ClinVar variation 2831048 (VCV002831048.3), dbSNP rs1596616850, ClinGen allele CA395497029.